The following is an entry in ClinVar:

ClinVar aggregate classification (germline): Uncertain significance. Review status: criteria provided, multiple submitters, no conflicts (2 of 4 stars). 3 submissions from 3 submitters: Uncertain significance (3). Last evaluated 2025-10-29.

Conditions:
Hereditary cancer-predisposing syndrome. Also called: Tumor predisposition; Neoplastic Syndromes, Hereditary; Hereditary Cancer Syndrome; Hereditary neoplastic syndrome. Identifiers: Orphanet 140162, MedGen C0027672, MeSH D009386, MONDO:0015356.
Ataxia-telangiectasia syndrome (AT). Also called: Cerebello-oculocutaneous telangiectasia; Immunodeficiency with ataxia telangiectasia; ATAXIA-TELANGIECTASIA, COMPLEMENTATION GROUP A; Ataxia-telangiectasia, complementation group D; AT, COMPLEMENTATION GROUP C; ATAXIA-TELANGIECTASIA, FRESNO VARIANT. Identifiers: Orphanet 100, MedGen C0004135, MONDO:0008840, OMIM 208900.

Allele frequency attached by ClinVar (database versions not stated): gnomAD 0.00003.

Submissions (3):

Ambry Genetics
Classification: Uncertain significance for Hereditary cancer-predisposing syndrome. Last evaluated: 2025-10-29. Review status: criteria provided, single submitter. Criteria: Ambry Variant Classification Scheme 2023. Collection method: clinical testing. Allele origin: germline.
Comment: The p.E1856K variant (also known as c.5566G>A), located in coding exon 36 of the ATM gene, results from a G to A substitution at nucleotide position 5566. The glutamic acid at codon 1856 is replaced by lysine, an amino acid with similar properties. This amino acid position is not well conserved in available vertebrate species. In addition, this alteration is predicted to be tolerated by in silico analysis. Based on the available evidence, the clinical significance of this variant remains unclear.

Color Diagnostics, LLC DBA Color Health
Classification: Uncertain significance for Hereditary cancer-predisposing syndrome. Last evaluated: 2024-03-06. Review status: criteria provided, single submitter. Criteria: ACMG Guidelines, 2015. Collection method: clinical testing. Allele origin: germline.
Comment: This missense variant replaces glutamic acid with lysine at codon 1856 of the ATM protein. Computational prediction tool suggests that this variant may not impact protein structure and function (internally defined REVEL score threshold <= 0.5, PMID: 27666373). Splice site prediction tools suggest that this variant may not impact RNA splicing. To our knowledge, functional studies have not been performed for this variant. This variant has not been reported in individuals affected with hereditary cancer in the literature. This variant has been identified in 1/31386 chromosomes in the general population by the Genome Aggregation Database (gnomAD). The available evidence is insufficient to determine the role of this variant in disease conclusively. Therefore, this variant is classified as a Variant of Uncertain Significance.

Labcorp Genetics (formerly Invitae), Labcorp
Classification: Uncertain significance for Ataxia-telangiectasia syndrome. Last evaluated: 2020-03-07. Review status: criteria provided, single submitter. Criteria: Invitae Variant Classification Sherloc (09022015). Collection method: clinical testing. Allele origin: germline.
Comment: In summary, the available evidence is currently insufficient to determine the role of this variant in disease. Therefore, it has been classified as a Variant of Uncertain Significance. Algorithms developed to predict the effect of missense changes on protein structure and function output the following: SIFT: "Tolerated"; PolyPhen-2: "Benign"; Align-GVGD: "Class C0". The lysine amino acid residue is found in multiple mammalian species, suggesting that this missense change does not adversely affect protein function. These predictions have not been confirmed by published functional studies and their clinical significance is uncertain. This variant has not been reported in the literature in individuals with ATM-related conditions. ClinVar contains an entry for this variant (Variation ID: 479027). This variant is not present in population databases (ExAC no frequency). This sequence change replaces glutamic acid with lysine at codon 1856 of the ATM protein (p.Glu1856Lys). The glutamic acid residue is weakly conserved and there is a small physicochemical difference between glutamic acid and lysine.

NM_000051.4(ATM):c.5566G>A (p.Glu1856Lys)

Gene: ATM (ATM serine/threonine kinase; plus strand). Cytogenetic location: 11q22.3.
Variant type: single nucleotide variant.
Coding change: c.5566G>A on transcript NM_000051.4 (MANE Select); coding-DNA position 5566, G replaced by A.
Protein change: p.Glu1856Lys; replaces glutamic acid 1856 with lysine.
Molecular consequence: missense variant.
Genome position (GRCh38, 1-based): chr11:108,304,744, G>A. VCF-style: chr11-108304744-G-A. GRCh37 (hg19) VCF-style: chr11-108175471-G-A.
Other names: c.5566G>A, p.Glu1856Lys (NM_001351834.2); short protein forms E1856K.
Identifiers: ClinVar variation 479027 (VCV000479027.20), dbSNP rs1465041573, ClinGen allele CA382546055.